The following is an entry in ClinVar:

NM_182961.4(SYNE1):c.866G>T (p.Ser289Ile)

Gene: SYNE1 (spectrin repeat containing nuclear envelope protein 1; minus strand). Cytogenetic location: 6q25.2.
Variant type: single nucleotide variant.
Coding change: c.866G>T on transcript NM_182961.4 (MANE Select); coding-DNA position 866, G replaced by T.
Protein change: p.Ser289Ile; replaces serine 289 with isoleucine.
Molecular consequence: missense variant.
Genome position (GRCh38, 1-based): chr6:152,502,655, C>A on the plus strand (G>T on the coding strand, the complement: SYNE1 is on the minus strand). VCF-style: chr6-152502655-C-A. GRCh37 (hg19) VCF-style: chr6-152823790-C-A.
Other names: c.887G>T, p.Ser296Ile (NM_033071.5); short protein forms S289I, S296I.
Identifiers: ClinVar variation 3344218 (VCV003344218.2).

ClinVar aggregate classification (germline): Uncertain significance. Review status: criteria provided, single submitter (1 of 4 stars). 2 submissions from 2 submitters: Uncertain significance (1). 1 of the submissions does not count toward it. Last evaluated 2023-12-06.

Conditions:
SYNE1-related disorder. Also called: SYNE1-related disease; SYNE1-related condition; SYNE1-related disorders.

gnomAD v4.1: 1 of 1,613,556 alleles (0.000062%); highest among the groups gnomAD compares: African/African-American, 0.0013%; no homozygotes.

Submissions (2):

Revvity Omics, Revvity
Classification: Uncertain significance. Last evaluated: 2023-12-06. Review status: criteria provided, single submitter. Criteria: ACMG Guidelines, 2015. Collection method: clinical testing. Allele origin: germline.

PreventionGenetics, part of Exact Sciences
Classification: Uncertain significance for SYNE1-related condition. Last evaluated: 2024-06-28. Review status: no assertion criteria provided. Collection method: clinical testing. Allele origin: germline. Not counted in ClinVar's aggregate classification.
Comment: The SYNE1 c.887G>T variant is predicted to result in the amino acid substitution p.Ser296Ile. To our knowledge, this variant has not been reported in the literature. This variant is reported in 0.0062% of alleles in individuals of African descent in gnomAD. At this time, the clinical significance of this variant is uncertain due to the absence of conclusive functional and genetic evidence.